The following is an entry in ClinVar:

NM_001378452.1(ITPR1):c.8078G>A (p.Ser2693Asn)

Gene: ITPR1 (inositol 1,4,5-trisphosphate receptor type 1; plus strand). Cytogenetic location: 3p26.1.
Variant type: single nucleotide variant.
Coding change: c.8078G>A on transcript NM_001378452.1 (MANE Select); coding-DNA position 8078, G replaced by A.
Protein change: p.Ser2693Asn; replaces serine 2693 with asparagine.
Molecular consequence: missense variant.
Genome position (GRCh38, 1-based): chr3:4,836,823, G>A. VCF-style: chr3-4836823-G-A. GRCh37 (hg19) VCF-style: chr3-4878507-G-A.
Other names: c.7934G>A, p.Ser2645Asn (NM_001099952.4); c.8033G>A, p.Ser2678Asn (NM_001168272.2); c.7889G>A, p.Ser2630Asn (NM_002222.7); short protein forms S2630N, S2693N, S2645N, S2678N.
Identifiers: ClinVar variation 2997816 (VCV002997816.3), dbSNP rs1183061130, ClinGen allele CA351793588.

ClinVar aggregate classification (germline): Uncertain significance (1 of 4 stars; one submission).

Allele frequency attached by ClinVar (database versions not stated): gnomAD exomes 0.00001.
gnomAD v4.1: 6 of 1,553,098 alleles (0.00039%); highest among the groups gnomAD compares: East Asian, 0.014%; no homozygotes.

Submission:

Labcorp Genetics (formerly Invitae), Labcorp
Classification: Uncertain significance. Last evaluated: 2023-11-01. Review status: criteria provided, single submitter. Criteria: Invitae Variant Classification Sherloc (09022015). Collection method: clinical testing. Allele origin: germline.
Comment: This sequence change replaces serine, which is neutral and polar, with asparagine, which is neutral and polar, at codon 2630 of the ITPR1 protein (p.Ser2630Asn). This variant is not present in population databases (gnomAD no frequency). This variant has not been reported in the literature in individuals affected with ITPR1-related conditions. Advanced modeling of protein sequence and biophysical properties (such as structural, functional, and spatial information, amino acid conservation, physicochemical variation, residue mobility, and thermodynamic stability) has been performed at Invitae for this missense variant, however the output from this modeling did not meet the statistical confidence thresholds required to predict the impact of this variant on ITPR1 protein function. In summary, the available evidence is currently insufficient to determine the role of this variant in disease. Therefore, it has been classified as a Variant of Uncertain Significance.